The following is an entry in ClinVar:

ClinVar aggregate classification (germline): Benign/Likely benign. Review status: criteria provided, multiple submitters, no conflicts (2 of 4 stars). 7 submissions from 4 submitters: Benign (5); Likely benign (2). Last evaluated 2026-02-01.

Conditions:
Early-onset myopathy with fatal cardiomyopathy (CMYO5). Also called: Salih Myopathy; CONGENITAL MYOPATHY 5 WITH CARDIOMYOPATHY. Identifiers: Orphanet 289377, MedGen C2673677, MONDO:0012714, OMIM 611705. Disease mechanism: loss of function.
Myopathy, myofibrillar, 9, with early respiratory failure (MFM9). Also called: EDSTROM MYOPATHY; MYOPATHY, PROXIMAL, WITH EARLY RESPIRATORY MUSCLE INVOLVEMENT; Hereditary myopathy with early respiratory failure; Myopathy, distal, with early respiratory failure, autosomal dominant. Identifiers: Orphanet 178464, Orphanet 34521, MedGen C1863599, MONDO:0011362, OMIM 603689.
Autosomal recessive limb-girdle muscular dystrophy type 2J (LGMDR10). Also called: Limb-girdle muscular dystrophy, type 2J; MUSCULAR DYSTROPHY, LIMB-GIRDLE, AUTOSOMAL RECESSIVE 10. Identifiers: Orphanet 140922, MedGen C1837342, MONDO:0012127, OMIM 608807.
Dilated cardiomyopathy 1G (CMD1G). Identifiers: Orphanet 154, MedGen C1858763, MONDO:0011400, OMIM 604145.
Tibial muscular dystrophy (TMD). Also called: UDD MYOPATHY; Tibial muscular dystrophy, tardive; Udd Distal Myopathy – Tibial Muscular Dystrophy. Identifiers: Orphanet 609, MedGen C1838244, MONDO:0010870, OMIM 600334.
Cardiomyopathy (CMYO). Also called: Cardiomyopathies. Identifiers: Orphanet 167848, MedGen C0878544, MONDO:0004994, HP:0001638. Inheritance: Various modes of inheritance.

Allele frequency attached by ClinVar (database versions not stated): gnomAD 0.00001; TOPMed 0.00001; gnomAD exomes 0.00002 and 0.00003; ExAC 0.00003.
gnomAD v4.1: 33 of 1,594,474 alleles (0.0021%); highest among the groups gnomAD compares: East Asian, 0.018%; no homozygotes.

Submissions (7):

Labcorp Genetics (formerly Invitae), Labcorp
Classification: Likely benign for Dilated cardiomyopathy 1G; Autosomal recessive limb-girdle muscular dystrophy type 2J. Last evaluated: 2026-02-01. Review status: criteria provided, single submitter. Criteria: Invitae Variant Classification Sherloc (09022015). Collection method: clinical testing. Allele origin: germline.

Genome-Nilou Lab
Classification: Benign for Autosomal recessive limb-girdle muscular dystrophy type 2J. Last evaluated: 2021-09-10. Review status: criteria provided, single submitter. Criteria: ACMG Guidelines, 2015. Collection method: clinical testing. Allele origin: germline. Affected: no.

Genome-Nilou Lab
Classification: Benign for Myopathy, myofibrillar, 9, with early respiratory failure. Last evaluated: 2021-09-10. Review status: criteria provided, single submitter. Criteria: ACMG Guidelines, 2015. Collection method: clinical testing. Allele origin: germline. Affected: no.

Genome-Nilou Lab
Classification: Benign for Early-onset myopathy with fatal cardiomyopathy. Last evaluated: 2021-09-10. Review status: criteria provided, single submitter. Criteria: ACMG Guidelines, 2015. Collection method: clinical testing. Allele origin: germline. Affected: no.

Genome-Nilou Lab
Classification: Benign for Tibial muscular dystrophy. Last evaluated: 2021-09-10. Review status: criteria provided, single submitter. Criteria: ACMG Guidelines, 2015. Collection method: clinical testing. Allele origin: germline. Affected: no.

CHEO Genetics Diagnostic Laboratory, Children's Hospital of Eastern Ontario
Classification: Benign for Cardiomyopathy. Last evaluated: 2018-03-21. Review status: criteria provided, single submitter. Criteria: ACMG Guidelines, 2015. Collection method: clinical testing. Allele origin: germline.

GeneDx
Classification: Likely benign. Last evaluated: 2017-04-21. Review status: criteria provided, single submitter. Criteria: GeneDx Variant Classification (06012015). Collection method: clinical testing. Allele origin: germline. Affected: yes.
Comment: This variant is considered likely benign or benign based on one or more of the following criteria: it is a conservative change, it occurs at a poorly conserved position in the protein, it is predicted to be benign by multiple in silico algorithms, and/or has population frequency not consistent with disease.

NM_001267550.2(TTN):c.20808G>A (p.Arg6936=)

Gene: TTN (titin; minus strand). Cytogenetic location: 2q31.2.
Variant type: single nucleotide variant.
Coding change: c.20808G>A on transcript NM_001267550.2 (MANE Select); coding-DNA position 20808, G replaced by A.
Protein change: p.Arg6936=; no amino-acid change (arginine 6936 retained).
Molecular consequence: synonymous variant. On other transcripts: intron variant (3).
Genome position (GRCh38, 1-based): chr2:178,725,396, C>T on the plus strand (G>A on the coding strand, the complement: TTN is on the minus strand). VCF-style: chr2-178725396-C-T. GRCh37 (hg19) VCF-style: chr2-179590123-C-T.
Other names: c.19857G>A, p.Arg6619= (NM_001256850.1); c.17076G>A, p.Arg5692= (NM_133378.4); c.13282+12686G>A (NM_003319.4); c.13858+12686G>A (NM_133437.4); c.13657+12686G>A (NM_133432.3).
Identifiers: ClinVar variation 466885 (VCV000466885.16), dbSNP rs773342572, ClinGen allele CA2001153.